The following is an entry in ClinVar:

ClinVar aggregate classification (germline): Uncertain significance. Review status: criteria provided, multiple submitters, no conflicts (2 of 4 stars). 4 submissions from 4 submitters: Uncertain significance (4). Last evaluated 2024-04-30.

Conditions:
Vanishing white matter disease. Also called: CACH syndrome; Childhood ataxia with diffuse central nervous system hypomyelination; Leukoencephalopathy with vanishing white matter; CACH/VWM syndrome; Cree leukoencehalopathy. Identifiers: Orphanet 135, Orphanet 99853, MedGen C1858991, MONDO:0800448.

Allele frequency attached by ClinVar (database versions not stated): gnomAD 0.00012 and 0.00013; gnomAD exomes 0.00012 and 0.00015; 1000 Genomes Project 30x 0.00016; ExAC 0.00019; 1000 Genomes Project 0.00020; TOPMed 0.00023.
gnomAD v4.1: 199 of 1,589,142 alleles (0.013%); highest among the groups gnomAD compares: Middle Eastern, 0.11%; 2 homozygotes.

Submissions (4):

Blueprint Genetics
Classification: Uncertain significance. Last evaluated: 2024-04-30. Review status: criteria provided, single submitter. Criteria: ACMG Guidelines, 2015. Collection method: clinical testing. Allele origin: germline.

Labcorp Genetics (formerly Invitae), Labcorp
Classification: Uncertain significance. Last evaluated: 2022-09-27. Review status: criteria provided, single submitter. Criteria: Invitae Variant Classification Sherloc (09022015). Collection method: clinical testing. Allele origin: germline.
Comment: This sequence change replaces alanine, which is neutral and non-polar, with glycine, which is neutral and non-polar, at codon 45 of the EIF2B5 protein (p.Ala45Gly). This variant is present in population databases (rs199637444, gnomAD 0.04%). This variant has not been reported in the literature in individuals affected with EIF2B5-related conditions. ClinVar contains an entry for this variant (Variation ID: 976615). Advanced modeling of protein sequence and biophysical properties (such as structural, functional, and spatial information, amino acid conservation, physicochemical variation, residue mobility, and thermodynamic stability) performed at Invitae indicates that this missense variant is not expected to disrupt EIF2B5 protein function. In summary, the available evidence is currently insufficient to determine the role of this variant in disease. Therefore, it has been classified as a Variant of Uncertain Significance.

Illumina Laboratory Services, Illumina
Classification: Uncertain significance for Leukoencephalopathy with vanishing white matter 1. Last evaluated: 2018-01-12. Review status: criteria provided, single submitter. Criteria: ICSL Variant Classification Criteria 13 December 2019. Collection method: clinical testing. Allele origin: germline.

Breakthrough Genomics
Classification: Uncertain significance. Review status: criteria provided, single submitter. Criteria: ACMG Guidelines, 2015. Collection method: not provided. Allele origin: germline. Inheritance: Autosomal recessive inheritance. Affected: yes.

NM_003907.3(EIF2B5):c.134C>G (p.Ala45Gly)

Genes: EIF2B5 (eukaryotic translation initiation factor 2B subunit epsilon; plus strand), LOC129938041 (ATAC-STARR-seq lymphoblastoid silent region 14954; plus strand). Cytogenetic location: 3q27.1.
Variant type: single nucleotide variant.
Coding change: c.134C>G on transcript NM_003907.3 (MANE Select); coding-DNA position 134, C replaced by G.
Protein change: p.Ala45Gly; replaces alanine 45 with glycine.
Molecular consequence: missense variant.
Genome position (GRCh38, 1-based): chr3:184,135,519, C>G. VCF-style: chr3-184135519-C-G. GRCh37 (hg19) VCF-style: chr3-183853307-C-G.
Other names: short protein forms A45G.
Identifiers: ClinVar variation 976615 (VCV000976615.8), dbSNP rs199637444, ClinGen allele CA2726321.